The following is an entry in ClinVar:

NM_001035.3(RYR2):c.11219T>C (p.Val3740Ala)

Gene: RYR2 (ryanodine receptor 2; plus strand). Cytogenetic location: 1q43.
Variant type: single nucleotide variant.
Coding change: c.11219T>C on transcript NM_001035.3 (MANE Select); coding-DNA position 11219, T replaced by C.
Protein change: p.Val3740Ala; replaces valine 3740 with alanine.
Molecular consequence: missense variant.
Genome position (GRCh38, 1-based): chr1:237,756,361, T>C. VCF-style: chr1-237756361-T-C. GRCh37 (hg19) VCF-style: chr1-237919661-T-C.
Other names: short protein forms V3740A.
Identifiers: ClinVar variation 3791610 (VCV003791610.1).

ClinVar aggregate classification (germline): Uncertain significance (1 of 4 stars; one submission).

Conditions:
Cardiovascular phenotype. Identifiers: MedGen CN230736.

gnomAD v4.1: 1 of 1,612,770 alleles (0.000062%); highest among the groups gnomAD compares: Non-Finnish European, 0.000085%; no homozygotes.

Submission:

Ambry Genetics
Classification: Uncertain significance for Cardiovascular phenotype. Last evaluated: 2024-12-20. Review status: criteria provided, single submitter. Criteria: Ambry Variant Classification Scheme 2023. Collection method: clinical testing. Allele origin: germline.
Comment: The p.V3740A variant (also known as c.11219T>C), located in coding exon 81 of the RYR2 gene, results from a T to C substitution at nucleotide position 11219. The valine at codon 3740 is replaced by alanine, an amino acid with similar properties. This amino acid position is highly conserved in available vertebrate species. In addition, this alteration is predicted to be deleterious by in silico analysis. Based on the available evidence, the clinical significance of this variant remains unclear.